The following is an entry in ClinVar:

ClinVar aggregate classification (germline): Uncertain significance (1 of 4 stars; one submission).

Submission:

GeneDx
Classification: Uncertain significance. Last evaluated: 2026-02-01. Review status: criteria provided, single submitter. Criteria: GeneDx Variant Classification Process June 2021. Collection method: clinical testing. Allele origin: germline.
Comment: Not observed at significant frequency in large population cohorts (gnomAD); In silico analysis suggests that this missense variant does not alter protein structure/function; Has not been previously published as pathogenic or benign to our knowledge; This variant is associated with the following publications: (PMID: 25512093, 25609763, 26100331)

NM_001376.5(DYNC1H1):c.5281A>G (p.Asn1761Asp)

Gene: DYNC1H1 (dynein cytoplasmic 1 heavy chain 1; plus strand). Cytogenetic location: 14q32.31.
Variant type: single nucleotide variant.
Coding change: c.5281A>G on transcript NM_001376.5 (MANE Select); coding-DNA position 5281, A replaced by G.
Protein change: p.Asn1761Asp; replaces asparagine 1761 with aspartic acid.
Molecular consequence: missense variant.
Genome position (GRCh38, 1-based): chr14:102,005,084, A>G. VCF-style: chr14-102005084-A-G. GRCh37 (hg19) VCF-style: chr14-102471421-A-G.
Other names: short protein forms N1761D.
Identifiers: ClinVar variation 4975499 (VCV004975499.1).